The following is an entry in ClinVar:

NM_020297.4(ABCC9):c.2198+1G>T

Gene: ABCC9 (ATP binding cassette subfamily C member 9; minus strand). Cytogenetic location: 12p12.1.
Variant type: single nucleotide variant.
Coding change: c.2198+1G>T on transcript NM_020297.4 (MANE Select); the canonical splice donor site of the intron after coding-DNA position 2198, G replaced by T.
Molecular consequence: splice donor variant.
Genome position (GRCh38, 1-based): chr12:21,872,624, C>A on the plus strand (G>T on the coding strand, the complement: ABCC9 is on the minus strand). VCF-style: chr12-21872624-C-A. GRCh37 (hg19) VCF-style: chr12-22025558-C-A.
Other names: c.1334+1G>T (NM_001377274.1); c.2198+1G>T (NM_005691.4, NM_001377273.1).
Identifiers: ClinVar variation 964592 (VCV000964592.8), dbSNP rs1396851699, ClinGen allele CA384132294.

ClinVar aggregate classification (germline): Likely pathogenic (1 of 4 stars; one submission).

Conditions:
Dilated cardiomyopathy 1O (CMD1O). Also called: CARDIOMYOPATHY, DILATED, WITH VENTRICULAR TACHYCARDIA. Identifiers: Orphanet 154, MedGen C1837839, MONDO:0012062, OMIM 608569.

Submission:

Labcorp Genetics (formerly Invitae), Labcorp
Classification: Likely pathogenic for Dilated cardiomyopathy 1O. Last evaluated: 2024-10-07. Review status: criteria provided, single submitter. Criteria: Invitae Variant Classification Sherloc (09022015). Collection method: clinical testing. Allele origin: germline.
Comment: This sequence change affects a donor splice site in intron 16 of the ABCC9 gene. It is expected to disrupt RNA splicing. Variants that disrupt the donor or acceptor splice site typically lead to a loss of protein function (PMID: 16199547), and loss-of-function variants in ABCC9 are known to be pathogenic (PMID: 31575858, 38217872). This variant is not present in population databases (gnomAD no frequency). This variant has not been reported in the literature in individuals affected with ABCC9-related conditions. ClinVar contains an entry for this variant (Variation ID: 964592). Algorithms developed to predict the effect of sequence changes on RNA splicing suggest that this variant may disrupt the consensus splice site. In summary, the currently available evidence indicates that the variant is pathogenic, but additional data are needed to prove that conclusively. Therefore, this variant has been classified as Likely Pathogenic.

Literature cited by the submitters: PubMed 16199547; PubMed 31575858; PubMed 38217872.